The following is an entry in ClinVar:

NM_001165963.4(SCN1A):c.361G>C (p.Ala121Pro)

Gene: SCN1A (sodium voltage-gated channel alpha subunit 1; minus strand). Cytogenetic location: 2q24.3.
Variant type: single nucleotide variant.
Coding change: c.361G>C on transcript NM_001165963.4 (MANE Select); coding-DNA position 361, G replaced by C.
Protein change: p.Ala121Pro; replaces alanine 121 with proline.
Molecular consequence: missense variant. On other transcripts: 5 prime UTR variant (1), non-coding transcript variant (1).
Genome position (GRCh38, 1-based): chr2:166,058,592, C>G on the plus strand (G>C on the coding strand, the complement: SCN1A is on the minus strand). VCF-style: chr2-166058592-C-G. GRCh37 (hg19) VCF-style: chr2-166915102-C-G.
Other names: c.361G>C, p.Ala121Pro (NM_001202435.3, NM_001165964.3, NM_001353948.2 and 10 more transcripts); c.-2065G>C (NM_001353961.2); c.361G>C (NM_001165963.1); short protein forms A121P.
Identifiers: ClinVar variation 812176 (VCV000812176.2), dbSNP rs1699353976, ClinGen allele CA349076861.

ClinVar aggregate classification (germline): Pathogenic/Likely pathogenic. Review status: criteria provided, multiple submitters, no conflicts (2 of 4 stars). 2 submissions from 2 submitters: Pathogenic (1); Likely pathogenic (1). Last evaluated 2024-10-24.

Conditions:
Generalized epilepsy with febrile seizures plus, type 2 (GEFSP2). Also called: GEFS+, TYPE 2. Identifiers: Orphanet 36387, MedGen C1858673, MONDO:0011461, OMIM 604403.

Submissions (2):

GeneDx
Classification: Pathogenic. Last evaluated: 2024-10-24. Review status: criteria provided, single submitter. Criteria: GeneDx Variant Classification Process June 2021. Collection method: clinical testing. Allele origin: germline. Affected: yes.
Comment: Not observed at significant frequency in large population cohorts (gnomAD); In silico analysis supports that this missense variant has a deleterious effect on protein structure/function; This variant is associated with the following publications: (PMID: 32238909)

Cavalleri Lab, Royal College of Surgeons in Ireland
Classification: Likely pathogenic for Generalized epilepsy with febrile seizures plus, type 2. Last evaluated: 2019-12-11. Review status: criteria provided, single submitter. Criteria: ACMG Guidelines, 2015. Collection method: research. Allele origin: de novo. Inheritance: Sporadic. Affected: yes.
Comment: ACMG evidence PS2, PM2, PP2, PP3

Literature cited by the submitters: PubMed 32238909 (cited by Cavalleri Lab, Royal College of Surgeons in Ireland).